The following is an entry in ClinVar:

ClinVar aggregate classification (germline): Pathogenic (1 of 4 stars; one submission).

Conditions:
Multiple endocrine neoplasia type 4. Also called: MULTIPLE ENDOCRINE NEOPLASIA, TYPE IV. Identifiers: Orphanet 276152, MedGen C1970712, MONDO:0012552, OMIM 610755.

Submission:

Labcorp Genetics (formerly Invitae), Labcorp
Classification: Pathogenic for Multiple endocrine neoplasia type 4. Last evaluated: 2021-06-15. Review status: criteria provided, single submitter. Criteria: Invitae Variant Classification Sherloc (09022015). Collection method: clinical testing. Allele origin: germline.
Comment: This sequence change creates a premature translational stop signal (p.Gly72Alafs*47) in the CDKN1B gene. It is expected to result in an absent or disrupted protein product. This variant is not present in population databases (ExAC no frequency). This variant has not been reported in the literature in individuals with CDKN1B-related disease. Loss-of-function variants in CDKN1B are known to be pathogenic (PMID: 17030811, 24819502). For these reasons, this variant has been classified as Pathogenic.

Literature cited by the submitters: PubMed 17030811; PubMed 24819502.

NM_004064.5(CDKN1B):c.215del (p.Gly72fs)

Gene: CDKN1B (cyclin dependent kinase inhibitor 1B; plus strand). Cytogenetic location: 12p13.1.
Variant type: Deletion.
Coding change: c.215del on transcript NM_004064.5 (MANE Select); coding-DNA position 215, one base deleted (G; older notation c.215delG).
Protein change: p.Gly72fs; shifts the reading frame from glycine 72.
Molecular consequence: frameshift variant.
Genome position (GRCh38, 1-based): chr12:12,718,054, G deleted; the last of 3 consecutive G bases (chr12:12,718,052-12,718,054); deleting any one gives the same sequence. VCF-style (leftmost placement, unchanged base first): chr12-12718051-AG-A. GRCh37 (hg19) VCF-style: chr12-12870985-AG-A.
Other names: c.215delG (NM_004064.4); short protein forms G72fs.
Identifiers: ClinVar variation 661423 (VCV000661423.8), dbSNP rs1555085549, ClinGen allele CA915947919.
Genomic context (GRCh38, chr12:12,718,051, plus strand): 5'-ACATGGAAGAGGCGAGCCAGCGCAAGTGGAATTTCGATTTTCAGAATCACAAACCCCTAG[AG>A]GGCAAGTACGAGTGGCAAGAGGTGGAGAAGGGCAGCTTGCCCGAGTTCTACTACAGACCC-3'